The following is an entry in ClinVar:

NM_012106.4(ARL2BP):c.406G>A (p.Gly136Arg)

Gene: ARL2BP (ARF like GTPase 2 binding protein; plus strand). Cytogenetic location: 16q13.
Variant type: single nucleotide variant.
Coding change: c.406G>A on transcript NM_012106.4 (MANE Select); coding-DNA position 406, G replaced by A.
Protein change: p.Gly136Arg; replaces glycine 136 with arginine.
Molecular consequence: missense variant.
Genome position (GRCh38, 1-based): chr16:57,252,181, G>A. VCF-style: chr16-57252181-G-A. GRCh37 (hg19) VCF-style: chr16-57286093-G-A.
Other names: c.406G>A (NM_012106.3); short protein forms G136R.
Identifiers: ClinVar variation 1903413 (VCV001903413.6), dbSNP rs1254641904, ClinGen allele CA396023666.

ClinVar aggregate classification (germline): Uncertain significance. Review status: criteria provided, multiple submitters, no conflicts (2 of 4 stars). 2 submissions from 2 submitters: Uncertain significance (2). Last evaluated 2025-06-29.

Conditions:
Inborn genetic diseases. Identifiers: MedGen C0950123, MeSH D030342.

Allele frequency attached by ClinVar (database versions not stated): TOPMed 0.00001; gnomAD exomes 0.00003.
gnomAD v4.1: 17 of 1,614,140 alleles (0.0011%); highest among the groups gnomAD compares: Admixed American, 0.0017%; no homozygotes.

Submissions (2):

Ambry Genetics
Classification: Uncertain significance for Inborn genetic diseases. Last evaluated: 2025-06-29. Review status: criteria provided, single submitter. Criteria: Ambry Variant Classification Scheme 2023. Collection method: clinical testing. Allele origin: germline.

Labcorp Genetics (formerly Invitae), Labcorp
Classification: Uncertain significance. Last evaluated: 2025-02-03. Review status: criteria provided, single submitter. Criteria: Invitae Variant Classification Sherloc (09022015). Collection method: clinical testing. Allele origin: germline.
Comment: This sequence change replaces glycine, which is neutral and non-polar, with arginine, which is basic and polar, at codon 136 of the ARL2BP protein (p.Gly136Arg). This variant is present in population databases (no rsID available, gnomAD 0.003%). This variant has not been reported in the literature in individuals affected with ARL2BP-related conditions. ClinVar contains an entry for this variant (Variation ID: 1903413). An algorithm developed to predict the effect of missense changes on protein structure and function (PolyPhen-2) suggests that this variant is likely to be tolerated. In summary, the available evidence is currently insufficient to determine the role of this variant in disease. Therefore, it has been classified as a Variant of Uncertain Significance.